The following is an entry in ClinVar:

ClinVar aggregate classification (germline): Uncertain significance (1 of 4 stars; one submission).

Submission:

Greenwood Genetic Center Diagnostic Laboratories, Greenwood Genetic Center
Classification: Uncertain significance. Last evaluated: 2024-07-09. Review status: criteria provided, single submitter. Criteria: ACMG Guidelines, 2015. Collection method: clinical testing. Allele origin: germline. Affected: yes.
Comment: PM2, PP3

NM_032892.5(FRMD5):c.290A>G (p.Tyr97Cys)

Gene: FRMD5 (FERM domain containing 5; minus strand). Cytogenetic location: 15q15.3.
Variant type: single nucleotide variant.
Coding change: c.290A>G on transcript NM_032892.5 (MANE Select); coding-DNA position 290, A replaced by G.
Protein change: p.Tyr97Cys; replaces tyrosine 97 with cysteine.
Molecular consequence: missense variant. On other transcripts: 5 prime UTR variant (1), non-coding transcript variant (1).
Genome position (GRCh38, 1-based): chr15:43,919,498, T>C on the plus strand (A>G on the coding strand, the complement: FRMD5 is on the minus strand). VCF-style: chr15-43919498-T-C. GRCh37 (hg19) VCF-style: chr15-44211696-T-C.
Other names: c.23A>G, p.Tyr8Cys (NM_001286490.2); c.-732A>G (NM_001286491.2); c.290A>G, p.Tyr97Cys (NM_001322949.2, NM_001322950.2, NM_001411124.1); c.185A>G, p.Tyr62Cys (NM_001322951.2); short protein forms Y62C, Y8C, Y97C.
Identifiers: ClinVar variation 3765704 (VCV003765704.1).
Genomic context (GRCh38, chr15:43,919,498, plus strand): 5'-CGGGAAGCATGTTCACCTCACCTGGTTATTTCTTCTTTCAGAGCAGCAGGGTCTGCAGGA[T>C]AAAACTTCACACGGAAGCACATGGTGAATGGAGGCTGGGCTGCAGAGAAAAAGAGGTGCT-3'
Protein context (NP_116281.2, residues 87-107): PFTMCFRVKF[Tyr97Cys]PADPAALKEE